The following is an entry in ClinVar:

ClinVar aggregate classification (germline): Uncertain significance (1 of 4 stars; one submission).

Submission:

Dasa
Classification: Uncertain significance. Last evaluated: 2025-08-21. Review status: criteria provided, single submitter. Criteria: DASA Assertion Criteria. Collection method: clinical testing. Allele origin: germline.
Comment: NM_001037333.3(CYFIP2):c.98C>T (p.Pro33Leu) is a missense variant that results in the substitution of proline with leucine. This variant is absent from population databases. The currently available literature and clinical evidence are not sufficient to establish a definitive association between this variant and the reported condition. Therefore, this variant is classified as a variant of uncertain significance.

NM_001037333.3(CYFIP2):c.98C>T (p.Pro33Leu)

Gene: CYFIP2 (cytoplasmic FMR1 interacting protein 2; plus strand). Cytogenetic location: 5q33.3.
Variant type: single nucleotide variant.
Coding change: c.98C>T on transcript NM_001037333.3 (MANE Select); coding-DNA position 98, C replaced by T.
Protein change: p.Pro33Leu; replaces proline 33 with leucine.
Molecular consequence: missense variant.
Genome position (GRCh38, 1-based): chr5:157,285,459, C>T. VCF-style: chr5-157285459-C-T. GRCh37 (hg19) VCF-style: chr5-156712469-C-T.
Other names: c.98C>T, p.Pro33Leu (NM_001291721.2, NM_001291722.2, NM_014376.4); short protein forms P33L.
Identifiers: ClinVar variation 4884898 (VCV004884898.2).